The following is an entry in ClinVar:

ClinVar aggregate classification (germline): Uncertain significance (1 of 4 stars; one submission).

Conditions:
Pulmonary fibrosis and/or bone marrow failure, Telomere-related, 3. Also called: PULMONARY FIBROSIS AND/OR BONE MARROW FAILURE SYNDROME, TELOMERE-RELATED, 3. Identifiers: Orphanet 2032, MedGen C4225346, MONDO:0014613, OMIM 616373.
Dyskeratosis congenita, autosomal recessive 5 (DKCB5). Identifiers: MedGen C3554656, MONDO:0014076, OMIM 615190.

Submission:

Labcorp Genetics (formerly Invitae), Labcorp
Classification: Uncertain significance for Dyskeratosis congenita, autosomal recessive 5; Pulmonary fibrosis and/or bone marrow failure, Telomere-related, 3. Last evaluated: 2023-04-27. Review status: criteria provided, single submitter. Criteria: Invitae Variant Classification Sherloc (09022015). Collection method: clinical testing. Allele origin: germline.
Comment: In summary, the available evidence is currently insufficient to determine the role of this variant in disease. Therefore, it has been classified as a Variant of Uncertain Significance. Algorithms developed to predict the effect of sequence changes on RNA splicing suggest that this variant may disrupt the consensus splice site. This variant has not been reported in the literature in individuals affected with RTEL1-related conditions. This variant is not present in population databases (gnomAD no frequency). This sequence change falls in intron 27 of the RTEL1 gene. It does not directly change the encoded amino acid sequence of the RTEL1 protein.

NM_001283009.2(RTEL1):c.2557-19_2557-6del

Genes: RTEL1 (regulator of telomere elongation helicase 1; plus strand), RTEL1-TNFRSF6B (RTEL1-TNFRSF6B readthrough (NMD candidate); plus strand). Cytogenetic location: 20q13.33.
Variant type: Deletion.
Coding change: c.2557-19_2557-6del on transcript NM_001283009.2 (MANE Select); 19 bases into the intron before coding-DNA position 2557 through 6 bases into the intron before coding-DNA position 2557, 14 bases deleted (TGAGCTGTGTCCTC).
Molecular consequence: intron variant.
Genome position (GRCh38, 1-based): chr20:63,691,723-63,691,736, TGAGCTGTGTCCTC deleted. VCF-style (leftmost placement, unchanged base first): chr20-63691722-GTGAGCTGTGTCCTC-G. GRCh37 (hg19) VCF-style: chr20-62323075-GTGAGCTGTGTCCTC-G.
Other names: c.1888-19_1888-6del (NM_001283010.1); c.2629-19_2629-6del (NM_032957.5); c.2557-19_2557-6del (NM_016434.4).
Identifiers: ClinVar variation 2932886 (VCV002932886.3), dbSNP rs2517154712, ClinGen allele CA2740094678.